The following is an entry in ClinVar:

ClinVar aggregate classification (germline): Uncertain significance (1 of 4 stars; one submission).

Conditions:
Hereditary diffuse gastric adenocarcinoma (HDGC). Also called: DIFFUSE GASTRIC AND LOBULAR BREAST CANCER SYNDROME. Identifiers: Orphanet 26106, MedGen C1708349, MONDO:0007648, OMIM 137215.

Submission:

Labcorp Genetics (formerly Invitae), Labcorp
Classification: Uncertain significance for Hereditary diffuse gastric adenocarcinoma. Last evaluated: 2023-11-25. Review status: criteria provided, single submitter. Criteria: Invitae Variant Classification Sherloc (09022015). Collection method: clinical testing. Allele origin: germline.
Comment: This sequence change replaces aspartic acid, which is acidic and polar, with valine, which is neutral and non-polar, at codon 854 of the CDH1 protein (p.Asp854Val). This variant is not present in population databases (gnomAD no frequency). This variant has not been reported in the literature in individuals affected with CDH1-related conditions. ClinVar contains an entry for this variant (Variation ID: 998479). An algorithm developed to predict the effect of missense changes on protein structure and function (PolyPhen-2) suggests that this variant is likely to be disruptive. In summary, the available evidence is currently insufficient to determine the role of this variant in disease. Therefore, it has been classified as a Variant of Uncertain Significance.

NM_004360.5(CDH1):c.2561A>T (p.Asp854Val)

Gene: CDH1 (cadherin 1; plus strand). Cytogenetic location: 16q22.1.
Variant type: single nucleotide variant.
Coding change: c.2561A>T on transcript NM_004360.5 (MANE Select); coding-DNA position 2561, A replaced by T.
Protein change: p.Asp854Val; replaces aspartic acid 854 with valine.
Molecular consequence: missense variant.
Genome position (GRCh38, 1-based): chr16:68,833,411, A>T. VCF-style: chr16-68833411-A-T. GRCh37 (hg19) VCF-style: chr16-68867314-A-T.
Other names: c.2378A>T, p.Asp793Val (NM_001317184.2); c.1013A>T, p.Asp338Val (NM_001317185.2); c.596A>T, p.Asp199Val (NM_001317186.2); short protein forms D199V, D338V, D793V, D854V.
Identifiers: ClinVar variation 998479 (VCV000998479.9), dbSNP rs1961541103, ClinGen allele CA396472457.
Genomic context (GRCh38, chr16:68,833,411, plus strand): 5'-ACTATGAAGGAAGCGGTTCCGAAGCTGCTAGTCTGAGCTCCCTGAACTCCTCAGAGTCAG[A>T]CAAAGACCAGGACTATGACTACTTGAACGAATGGGGCAATCGCTTCAAGAAGCTGGCTGA-3'
Protein context (NP_004351.1, residues 844-864): SLSSLNSSES[Asp854Val]KDQDYDYLNE